The following is an entry in ClinVar:

ClinVar aggregate classification (germline): Benign. Review status: criteria provided, multiple submitters, no conflicts (2 of 4 stars). 2 submissions from 2 submitters: Benign (2). Last evaluated 2018-06-14.

Allele frequency attached by ClinVar (database versions not stated): 1000 Genomes Project 30x 0.17021; 1000 Genomes Project 0.17033; TOPMed 0.23352; gnomAD 0.25514 and 0.25570; gnomAD exomes 0.26572.
gnomAD v4.1: 46,947 of 182,688 alleles (26%); highest among the groups gnomAD compares: Non-Finnish European, 35%; 7,389 homozygotes.

Submissions (2):

GeneDx
Classification: Benign. Last evaluated: 2018-06-14. Review status: criteria provided, single submitter. Criteria: GeneDx Variant Classification (06012015). Collection method: clinical testing. Allele origin: germline. Affected: yes.
Comment: This variant is considered likely benign or benign based on one or more of the following criteria: it is a conservative change, it occurs at a poorly conserved position in the protein, it is predicted to be benign by multiple in silico algorithms, and/or has population frequency not consistent with disease.

Breakthrough Genomics
Classification: Benign. Review status: criteria provided, single submitter. Criteria: ACMG Guidelines, 2015. Collection method: not provided. Allele origin: germline. Inheritance: Autosomal recessive inheritance. Affected: yes.

NM_001013703.4(EIF2AK4):c.4174-262G>A

Gene: EIF2AK4 (eukaryotic translation initiation factor 2 alpha kinase 4; plus strand). Cytogenetic location: 15q15.1.
Variant type: single nucleotide variant.
Coding change: c.4174-262G>A on transcript NM_001013703.4 (MANE Select); 262 bases into the intron before coding-DNA position 4174, G replaced by A.
Molecular consequence: intron variant.
Genome position (GRCh38, 1-based): chr15:40,020,637, G>A. VCF-style: chr15-40020637-G-A. GRCh37 (hg19) VCF-style: chr15-40312838-G-A.
Identifiers: ClinVar variation 683495 (VCV000683495.2), dbSNP rs12916007, ClinGen allele CA14098866.